The following is an entry in ClinVar:

NM_013339.4(ALG6):c.37A>C (p.Ile13Leu)

Gene: ALG6 (ALG6 alpha-1,3-glucosyltransferase; plus strand). Cytogenetic location: 1p31.3.
Variant type: single nucleotide variant.
Coding change: c.37A>C on transcript NM_013339.4 (MANE Select); coding-DNA position 37, A replaced by C.
Protein change: p.Ile13Leu; replaces isoleucine 13 with leucine.
Molecular consequence: missense variant.
Genome position (GRCh38, 1-based): chr1:63,371,014, A>C. VCF-style: chr1-63371014-A-C. GRCh37 (hg19) VCF-style: chr1-63836685-A-C.
Other names: short protein forms I13L.
Identifiers: ClinVar variation 854201 (VCV000854201.8), dbSNP rs1407217511, ClinGen allele CA340636861.

ClinVar aggregate classification (germline): Uncertain significance. Review status: criteria provided, single submitter (1 of 4 stars). 2 submissions from 2 submitters: Uncertain significance (1). 1 of the submissions does not count toward it. Last evaluated 2022-04-09.

Conditions:
ALG6-congenital disorder of glycosylation 1C (CDG1C). Also called: CARBOHYDRATE-DEFICIENT GLYCOPROTEIN SYNDROME, TYPE I, WITH DEFICIENT GLYCOSYLATION OF DOLICHOL-LINKED OLIGOSACCHARIDE; CARBOHYDRATE-DEFICIENT GLYCOPROTEIN SYNDROME, TYPE V; CDG Ic; Congenital disorder of glycosylation type 1C; Congenital disorder of glycosylation, type Ic. Identifiers: Orphanet 79320, MedGen C2930997, MONDO:0011291, OMIM 603147.

Allele frequency attached by ClinVar (database versions not stated): gnomAD exomes below 0.00001 and 0.00001; gnomAD 0.00001.
gnomAD v4.1: 3 of 1,610,934 alleles (0.00019%); highest among the groups gnomAD compares: Admixed American, 0.0033%; no homozygotes.

Submissions (2):

Labcorp Genetics (formerly Invitae), Labcorp
Classification: Uncertain significance for ALG6-congenital disorder of glycosylation 1C. Last evaluated: 2022-04-09. Review status: criteria provided, single submitter. Criteria: Invitae Variant Classification Sherloc (09022015). Collection method: clinical testing. Allele origin: germline.
Comment: This sequence change replaces isoleucine, which is neutral and non-polar, with leucine, which is neutral and non-polar, at codon 13 of the ALG6 protein (p.Ile13Leu). This variant is present in population databases (no rsID available, gnomAD 0.006%). This variant has not been reported in the literature in individuals affected with ALG6-related conditions. ClinVar contains an entry for this variant (Variation ID: 854201). Algorithms developed to predict the effect of missense changes on protein structure and function output the following: SIFT: "Tolerated"; PolyPhen-2: "Benign"; Align-GVGD: "Class C0". The leucine amino acid residue is found in multiple mammalian species, which suggests that this missense change does not adversely affect protein function. In summary, the available evidence is currently insufficient to determine the role of this variant in disease. Therefore, it has been classified as a Variant of Uncertain Significance.

Natera, Inc.
Classification: Uncertain significance for Congenital disorder of glycosylation type 1c. Last evaluated: 2020-10-01. Review status: no assertion criteria provided. Collection method: clinical testing. Allele origin: germline. Not counted in ClinVar's aggregate classification.